The following is an entry in ClinVar:

NM_001378615.1(CC2D2A):c.2891A>G (p.His964Arg)

Genes: CC2D2A (coiled-coil and C2 domain containing 2A; plus strand), FBXL5 (F-box and leucine rich repeat protein 5; minus strand). Cytogenetic location: 4p15.32.
Variant type: single nucleotide variant.
Coding change: c.2891A>G on transcript NM_001378615.1 (MANE Select); coding-DNA position 2891, A replaced by G.
Protein change: p.His964Arg; replaces histidine 964 with arginine.
Molecular consequence: missense variant.
Genome position (GRCh38, 1-based): chr4:15,559,226, A>G. VCF-style: chr4-15559226-A-G. GRCh37 (hg19) VCF-style: chr4-15560849-A-G.
Other names: c.2891A>G, p.His964Arg (NM_001080522.2); c.2744A>G, p.His915Arg (NM_001378617.1); short protein forms H964R, H915R.
Identifiers: ClinVar variation 501585 (VCV000501585.7), dbSNP rs1273769297, ClinGen allele CA356412838.

ClinVar aggregate classification (germline): Uncertain significance. Review status: criteria provided, multiple submitters, no conflicts (2 of 4 stars). 2 submissions from 2 submitters: Uncertain significance (2). Last evaluated 2022-03-20.

Conditions:
Meckel-Gruber syndrome. Also called: Dysencephalia splachnocystica; DYSENCEPHALIA SPLANCHNOCYSTICA; GRUBER SYNDROME. Identifiers: Orphanet 564, MedGen C0265215, MONDO:0018921.
Joubert syndrome. Also called: JOUBERT-BOLTSHAUSER SYNDROME; Familial aplasia of the vermis. Identifiers: Orphanet 475, MedGen C5979921, MONDO:0018772.

Allele frequency attached by ClinVar (database versions not stated): gnomAD exomes below 0.00001; TOPMed below 0.00001; gnomAD 0.00001.
gnomAD v4.1: 2 of 1,553,756 alleles (0.00013%); highest among the groups gnomAD compares: Non-Finnish European, 0.00017%; no homozygotes.

Submissions (2):

Labcorp Genetics (formerly Invitae), Labcorp
Classification: Uncertain significance for Joubert syndrome; Meckel-Gruber syndrome. Last evaluated: 2022-03-20. Review status: criteria provided, single submitter. Criteria: Invitae Variant Classification Sherloc (09022015). Collection method: clinical testing. Allele origin: germline.
Comment: This sequence change replaces histidine, which is basic and polar, with arginine, which is basic and polar, at codon 964 of the CC2D2A protein (p.His964Arg). This variant is not present in population databases (gnomAD no frequency). This variant has not been reported in the literature in individuals affected with CC2D2A-related conditions. ClinVar contains an entry for this variant (Variation ID: 501585). Algorithms developed to predict the effect of missense changes on protein structure and function (SIFT, PolyPhen-2, Align-GVGD) all suggest that this variant is likely to be tolerated. In summary, the available evidence is currently insufficient to determine the role of this variant in disease. Therefore, it has been classified as a Variant of Uncertain Significance.

Eurofins Ntd Llc (ga)
Classification: Uncertain significance. Last evaluated: 2017-04-27. Review status: criteria provided, single submitter. Criteria: EGL Classification Definitions 2015. Collection method: clinical testing. Allele origin: germline. Observed: 1 variant allele, 1 heterozygote.